The following is an entry in ClinVar:

NM_000618.5(IGF1):c.20T>C (p.Leu7Pro)

Genes: IGF1 (insulin like growth factor 1; minus strand), LINC02456 (long intergenic non-protein coding RNA 2456; plus strand). Cytogenetic location: 12q23.2.
Variant type: single nucleotide variant.
Coding change: c.20T>C on transcript NM_000618.5 (MANE Select); coding-DNA position 20, T replaced by C.
Protein change: p.Leu7Pro; replaces leucine 7 with proline.
Molecular consequence: missense variant.
Genome position (GRCh38, 1-based): chr12:102,480,362, A>G on the plus strand (T>C on the coding strand, the complement: IGF1 is on the minus strand). VCF-style: chr12-102480362-A-G. GRCh37 (hg19) VCF-style: chr12-102874140-A-G.
Other names: c.20T>C, p.Leu7Pro (NM_001111283.3, NM_001111285.3, NM_001414005.1 and 1 more transcripts); short protein forms L7P.
Identifiers: ClinVar variation 3907526 (VCV003907526.1).

ClinVar aggregate classification (germline): Uncertain significance (1 of 4 stars; one submission).

Submission:

Women's Health and Genetics/Laboratory Corporation of America, LabCorp
Classification: Uncertain significance. Last evaluated: 2025-06-26. Review status: criteria provided, single submitter. Criteria: LabCorp Variant Classification Summary - May 2015. Collection method: clinical testing. Allele origin: germline.
Comment: Variant summary: IGF1 c.20T>C (p.Leu7Pro) results in a non-conservative amino acid change in the encoded protein sequence. Algorithms developed to predict the effect of missense changes on protein structure and function all suggest that this variant is likely to be disruptive. The variant was absent in 250918 control chromosomes (gnomAD). The available data on variant occurrences in the general population are insufficient to allow any conclusion about variant significance. To our knowledge, no occurrence of c.20T>C in individuals affected with Growth Delay Due To Insulin-Like Growth Factor Type 1 Deficiency and no experimental evidence demonstrating its impact on protein function have been reported. No submitters have cited clinical-significance assessments for this variant to ClinVar. Based on the evidence outlined above, the variant was classified as uncertain significance.